The following is an entry in ClinVar:

NM_024675.4(PALB2):c.1685-9C>T

Gene: PALB2 (partner and localizer of BRCA2; minus strand). Cytogenetic location: 16p12.2.
Variant type: single nucleotide variant.
Coding change: c.1685-9C>T on transcript NM_024675.4 (MANE Select); 9 bases into the intron before coding-DNA position 1685, C replaced by T.
Molecular consequence: intron variant.
Genome position (GRCh38, 1-based): chr16:23,630,478, G>A on the plus strand (C>T on the coding strand, the complement: PALB2 is on the minus strand). VCF-style: chr16-23630478-G-A. GRCh37 (hg19) VCF-style: chr16-23641799-G-A.
Identifiers: ClinVar variation 1111404 (VCV001111404.13), dbSNP rs2142391529, ClinGen allele CA2499223433.

ClinVar aggregate classification (germline): Likely benign. Review status: criteria provided, multiple submitters, no conflicts (2 of 4 stars). 3 submissions from 3 submitters: Likely benign (3). Last evaluated 2025-01-14.

Conditions:
Hereditary cancer-predisposing syndrome. Also called: Tumor predisposition; Hereditary Cancer Syndrome; Neoplastic Syndromes, Hereditary; Hereditary neoplastic syndrome. Identifiers: Orphanet 140162, MedGen C0027672, MeSH D009386, MONDO:0015356.
Familial cancer of breast. Also called: BREAST CANCER, FAMILIAL; Hereditary breast cancer; hereditary breast carcinoma. Identifiers: Orphanet 227535, MedGen C0346153, MONDO:0016419, OMIM 114480. Disease mechanism: loss of function.

Allele frequency attached by ClinVar (database versions not stated): gnomAD exomes below 0.00001.
gnomAD v4.1: 1 of 1,592,470 alleles (0.000063%); highest among the groups gnomAD compares: Non-Finnish European, 0.000086%; no homozygotes.

Submissions (3):

Myriad Genetics, Inc.
Classification: Likely benign for Familial cancer of breast. Last evaluated: 2025-01-14. Review status: criteria provided, single submitter. Criteria: Myriad Autosomal Dominant, Autosomal Recessive and X-Linked Classification Criteria (2023). Collection method: clinical testing. Allele origin: unknown.
Comment: This variant is considered likely benign. This variant is intronic and is not expected to impact mRNA splicing.

Color Diagnostics, LLC DBA Color Health
Classification: Likely benign for Hereditary cancer-predisposing syndrome. Last evaluated: 2023-08-08. Review status: criteria provided, single submitter. Criteria: ACMG Guidelines, 2015. Collection method: clinical testing. Allele origin: germline.

Labcorp Genetics (formerly Invitae), Labcorp
Classification: Likely benign for Familial cancer of breast. Last evaluated: 2021-06-24. Review status: criteria provided, single submitter. Criteria: Invitae Variant Classification Sherloc (09022015). Collection method: clinical testing. Allele origin: germline.